The following is an entry in ClinVar:

ClinVar aggregate classification (germline): Conflicting classifications of pathogenicity. Review status: criteria provided, conflicting classifications (1 of 4 stars). 2 submissions from 2 submitters: Likely pathogenic (1); Uncertain significance (1). Last evaluated 2025-03-21.

Conditions:
Myofibrillar myopathy 5. Also called: FILAMINOPATHY, AUTOSOMAL DOMINANT; Filaminopathy (type). Identifiers: Orphanet 171445, MedGen C1836050, MONDO:0012289, OMIM 609524.
Distal myopathy with posterior leg and anterior hand involvement. Also called: WILLIAMS DISTAL MYOPATHY. Identifiers: Orphanet 63273, MedGen C3279722, MONDO:0013550, OMIM 614065.
Hypertrophic cardiomyopathy 26. Also called: Cardiomyopathy, familial hypertrophic, 26. Identifiers: Orphanet 75249, MedGen C4310749, MONDO:0014883, OMIM 617047.

Submissions (2):

Dasa
Classification: Likely pathogenic. Last evaluated: 2025-03-21. Review status: criteria provided, single submitter. Criteria: DASA Assertion Criteria. Collection method: clinical testing. Allele origin: germline.
Comment: NM_001458.5(FLNC):c.8112C>A (p.Tyr2704*) is a nonsense variant in FLNC predicted to introduce a premature termination codon and is predicted to result in an absent or altered protein product. Loss of function is an established disease mechanism for FLNC (PMID: 28008423; PMID: 27908349; PMID: 28436997). This variant has been reported in individuals with FLNC-related disorders (PMID: 37174721). Segregation data support an association with disease in the reported family/families (PMID: 37174721). Also, this variant is absent from population databases. Based on the currently available evidence, this variant is classified as likely pathogenic.

Labcorp Genetics (formerly Invitae), Labcorp
Classification: Uncertain significance for Distal myopathy with posterior leg and anterior hand involvement; Myofibrillar myopathy 5; Hypertrophic cardiomyopathy 26. Last evaluated: 2021-12-20. Review status: criteria provided, single submitter. Criteria: Invitae Variant Classification Sherloc (09022015). Collection method: clinical testing. Allele origin: germline.
Comment: Experimental studies and prediction algorithms are not available or were not evaluated, and the functional significance of this variant is currently unknown. This sequence change creates a premature translational stop signal (p.Tyr2704*) in the FLNC gene. While this is not anticipated to result in nonsense mediated decay, it is expected to disrupt the last 22 amino acid(s) of the FLNC protein. This variant is not present in population databases (gnomAD no frequency). This variant has not been reported in the literature in individuals affected with FLNC-related conditions. In summary, the available evidence is currently insufficient to determine the role of this variant in disease. Therefore, it has been classified as a Variant of Uncertain Significance.

Literature cited by the submitters: PubMed 37174721 (cited by Dasa); PubMed 28008423 (cited by Dasa); PubMed 27908349 (cited by Dasa); PubMed 28436997 (cited by Dasa).

NM_001458.5(FLNC):c.8112C>A (p.Tyr2704Ter)

Genes: FLNC (filamin C; plus strand), FLNC-AS1 (FLNC antisense RNA 1; minus strand). Cytogenetic location: 7q32.1.
Variant type: single nucleotide variant.
Coding change: c.8112C>A on transcript NM_001458.5 (MANE Select); coding-DNA position 8112, C replaced by A.
Protein change: p.Tyr2704Ter; replaces tyrosine 2704 with a stop codon.
Molecular consequence: nonsense.
Genome position (GRCh38, 1-based): chr7:128,858,457, C>A. VCF-style: chr7-128858457-C-A. GRCh37 (hg19) VCF-style: chr7-128498511-C-A.
Other names: c.8013C>A, p.Tyr2671Ter (NM_001127487.2); short protein forms Y2671*, Y2704*.
Identifiers: ClinVar variation 2050285 (VCV002050285.6), dbSNP rs2128940695, ClinGen allele CA369221866.